The following is an entry in ClinVar:

NM_005475.3(SH2B3):c.338C>T (p.Pro113Leu)

Gene: SH2B3 (SH2B adaptor protein 3; plus strand). Cytogenetic location: 12q24.12.
Variant type: single nucleotide variant.
Coding change: c.338C>T on transcript NM_005475.3 (MANE Select); coding-DNA position 338, C replaced by T.
Protein change: p.Pro113Leu; replaces proline 113 with leucine.
Molecular consequence: missense variant.
Genome position (GRCh38, 1-based): chr12:111,418,483, C>T. VCF-style: chr12-111418483-C-T. GRCh37 (hg19) VCF-style: chr12-111856287-C-T.
Other names: short protein forms P113L.
Identifiers: ClinVar variation 3440805 (VCV003440805.1).

ClinVar aggregate classification (germline): Uncertain significance (1 of 4 stars; one submission).

Conditions:
Inborn genetic diseases. Identifiers: MedGen C0950123, MeSH D030342.

gnomAD v4.1: 6 of 1,367,914 alleles (0.00044%); highest among the groups gnomAD compares: Non-Finnish European, 0.00056%; no homozygotes.

Submission:

Ambry Genetics
Classification: Uncertain significance for Inborn genetic diseases. Last evaluated: 2024-11-28. Review status: criteria provided, single submitter. Criteria: Ambry Variant Classification Scheme 2023. Collection method: clinical testing. Allele origin: germline.
Comment: The p.P113L variant (also known as c.338C>T), located in coding exon 1 of the SH2B3 gene, results from a C to T substitution at nucleotide position 338. The proline at codon 113 is replaced by leucine, an amino acid with similar properties. This amino acid position is conserved. In addition, this alteration is predicted to be tolerated by in silico analysis. Based on the available evidence, the clinical significance of this variant remains unclear.